The following is an entry in ClinVar:

ClinVar aggregate classification (germline): Uncertain significance. Review status: criteria provided, multiple submitters, no conflicts (2 of 4 stars). 2 submissions from 2 submitters: Uncertain significance (2). Last evaluated 2025-10-01.

Conditions:
Inborn genetic diseases. Identifiers: MedGen C0950123, MeSH D030342.
Familial hemophagocytic lymphohistiocytosis 5. Also called: STXBP2-Related Familial Hemophagocytic Lymphohistiocytosis (STXBP2-fHLH). Identifiers: Orphanet 540, MedGen C2751293, MONDO:0013135, OMIM 613101.

Allele frequency attached by ClinVar (database versions not stated): gnomAD 0.00001 and 0.00002; TOPMed 0.00002; ExAC 0.00006.
gnomAD v4.1: 46 of 1,614,026 alleles (0.0029%); highest among the groups gnomAD compares: Middle Eastern, 0.033%; no homozygotes.

Submissions (2):

Labcorp Genetics (formerly Invitae), Labcorp
Classification: Uncertain significance for Familial hemophagocytic lymphohistiocytosis 5. Last evaluated: 2025-10-01. Review status: criteria provided, single submitter. Criteria: Invitae Variant Classification Sherloc (09022015). Collection method: clinical testing. Allele origin: germline.
Comment: This sequence change replaces isoleucine, which is neutral and non-polar, with leucine, which is neutral and non-polar, at codon 232 of the STXBP2 protein (p.Ile232Leu). This variant is present in population databases (rs760638875, gnomAD 0.02%). This variant has not been reported in the literature in individuals affected with STXBP2-related conditions. ClinVar contains an entry for this variant (Variation ID: 1419970). Invitae Evidence Modeling of protein sequence and biophysical properties (such as structural, functional, and spatial information, amino acid conservation, physicochemical variation, residue mobility, and thermodynamic stability) indicates that this missense variant is not expected to disrupt STXBP2 protein function with a negative predictive value of 95%. In summary, the available evidence is currently insufficient to determine the role of this variant in disease. Therefore, it has been classified as a Variant of Uncertain Significance.

Ambry Genetics
Classification: Uncertain significance for Inborn genetic diseases. Last evaluated: 2022-01-26. Review status: criteria provided, single submitter. Criteria: Ambry Variant Classification Scheme 2023. Collection method: clinical testing. Allele origin: germline.

NM_006949.4(STXBP2):c.694A>T (p.Ile232Leu)

Gene: STXBP2 (syntaxin binding protein 2; plus strand). Cytogenetic location: 19p13.2.
Variant type: single nucleotide variant.
Coding change: c.694A>T on transcript NM_006949.4 (MANE Select); coding-DNA position 694, A replaced by T.
Protein change: p.Ile232Leu; replaces isoleucine 232 with leucine.
Molecular consequence: missense variant. On other transcripts: non-coding transcript variant (1).
Genome position (GRCh38, 1-based): chr19:7,642,233, A>T. VCF-style: chr19-7642233-A-T. GRCh37 (hg19) VCF-style: chr19-7707119-A-T.
Other names: c.694A>T (NM_006949.2); c.685A>T, p.Ile229Leu (NM_001127396.3); c.727A>T, p.Ile243Leu (NM_001272034.2); short protein forms I243L, I229L, I232L.
Identifiers: ClinVar variation 1419970 (VCV001419970.11), dbSNP rs760638875, ClinGen allele CA9143771.